The following is an entry in ClinVar:

ClinVar aggregate classification (germline): Benign/Likely benign. Review status: criteria provided, multiple submitters, no conflicts (2 of 4 stars). 3 submissions from 3 submitters: Benign (1); Likely benign (2). Last evaluated 2026-01-04.

Allele frequency attached by ClinVar (database versions not stated): TOPMed 0.00015; gnomAD 0.00016 and 0.00017; ExAC 0.00038; 1000 Genomes Project 0.00060; 1000 Genomes Project 30x 0.00062.

Submissions (3):

Labcorp Genetics (formerly Invitae), Labcorp
Classification: Benign. Last evaluated: 2026-01-04. Review status: criteria provided, single submitter. Criteria: Invitae Variant Classification Sherloc (09022015). Collection method: clinical testing. Allele origin: germline.

Blueprint Genetics
Classification: Likely benign. Last evaluated: 2024-11-21. Review status: criteria provided, single submitter. Criteria: ACMG Guidelines, 2015. Collection method: clinical testing. Allele origin: germline.

CeGaT Center for Human Genetics Tuebingen
Classification: Likely benign. Last evaluated: 2024-08-01. Review status: criteria provided, single submitter. Criteria: CeGaT Center For Human Genetics Tuebingen Variant Classification Criteria Version 2. Collection method: clinical testing. Allele origin: germline. Affected: yes. Observed: 1 variant allele.
Comment: NEFH: BP4

NM_021076.4(NEFH):c.732G>A (p.Gln244=)

Gene: NEFH (neurofilament heavy chain; plus strand). Cytogenetic location: 22q12.2.
Variant type: single nucleotide variant.
Coding change: c.732G>A on transcript NM_021076.4 (MANE Select); coding-DNA position 732, G replaced by A.
Protein change: p.Gln244=; no amino-acid change (glutamine 244 retained).
Molecular consequence: synonymous variant.
Genome position (GRCh38, 1-based): chr22:29,480,994, G>A. VCF-style: chr22-29480994-G-A. GRCh37 (hg19) VCF-style: chr22-29876983-G-A.
Identifiers: ClinVar variation 1599759 (VCV001599759.25), dbSNP rs527475764, ClinGen allele CA10174030.